The following continues an entry in ClinVar:

NM_004415.4(DSP):c.939+1G>A

Gene: DSP. ClinVar aggregate classification (germline): Pathogenic/Likely pathogenic. Pathogenic (9); Likely pathogenic (2).

Submissions 5 to 15 of 15:

Ambry Genetics
Classification: Pathogenic for Cardiovascular phenotype. Last evaluated: 2023-11-15. Review status: criteria provided, single submitter. Criteria: Ambry Variant Classification Scheme 2023. Collection method: clinical testing. Allele origin: germline.
Comment: The c.939+1G>A intronic pathogenic mutation results from a G to A substitution one nucleotide after coding exon 7 of the DSP gene. This mutation was identified in a family with striate palmoplantar keratoderma; six individuals were heterozygous with 3 symptomatic. This mutation was identified in individuals with dilated cardiomyopathy and arrhythmogenic right ventricular cardiomyopathy; some individuals also had variants in other cardiac-related genes (Sen-Chowdhry S et al. J. Am. Coll. Cardiol., 2008 Dec;52:2175-87; Christensen AH et al. J. Med. Genet., 2010 Nov;47:736-44; Pugh TJ et al. Genet. Med., 2014 Aug;16:601-8; Haas J et al. Eur. Heart J., 2015 May;36:1123-35a; Walsh R et al. Genet. Med., 2017 02;19:192-203). This nucleotide position is highly conserved in available vertebrate species. In silico splice site analysis predicts that this alteration will weaken the native splice donor site. Alterations that disrupt the canonical splice site are expected to cause aberrant splicing, resulting in an abnormal protein or a transcript that is subject to nonsense-mediated mRNA decay. In addition, RNA studies have suggested that this variant results in aberrant splicing and nonsense-mediated decay (Whittock NV et al. J. Invest. Dermatol., 1999 Dec;113:940-6). Alterations in DSP that result in haploinsufficiency or protein truncation have been reported in patients with arrhythmogenic right ventricular cardiomyopathy (ARVC) and dilated cardiomyopathy (DCM) (Fressart V et al. Europace.2010;12(6):861-8; Elliott P et al. Circ Cardiovasc Genet. 2010;3(4):314-22; Quarta G et al. Circulation. 2011;123(23):2701-9; Garcia-Pavia P et al. Heart. 2011;97(21):1744-52; Rasmussen TB et al. Clin Genet.2013;84(1):20-30; Pugh TJ et al.Genet Med.2014;16(8):601-8). Based on the supporting evidence, this alteration is interpreted as a disease-causing mutation.

GeneDx
Classification: Pathogenic. Last evaluated: 2023-01-05. Review status: criteria provided, single submitter. Criteria: GeneDx Variant Classification Process June 2021. Collection method: clinical testing. Allele origin: germline. Affected: yes.
Comment: Canonical splice site variant expected to result in aberrant splicing; Published functional studies demonstrate aberrant splicing leading to retention of the entire intron 7, which contains a premature termination codon within the N-terminal domain of the peptide (Whittock et al., 1999); Not observed at significant frequency in large population cohorts (gnomAD); This variant is associated with the following publications: (PMID: 20738328, 25163546, 19095136, 24503780, 27532257, 10594734, 31317183, 32372669, 31402444, 31447099, 34352074, 30847666, 34135346, 20864495)

CHEO Genetics Diagnostic Laboratory, Children's Hospital of Eastern Ontario
Classification: Pathogenic for Cardiomyopathy. Last evaluated: 2022-08-02. Review status: criteria provided, single submitter. Criteria: ACMG Guidelines, 2015. Collection method: clinical testing. Allele origin: germline.

Molecular Diagnostic Laboratory for Inherited Cardiovascular Disease, Montreal Heart Institute
Classification: Pathogenic for Cardiovascular phenotype. Last evaluated: 2022-02-16. Review status: criteria provided, single submitter. Criteria: ACMG Guidelines, 2015. Collection method: clinical testing. Allele origin: germline. Affected: yes.

Blueprint Genetics
Classification: Pathogenic for DSP-related disorders. Last evaluated: 2020-03-11. Review status: criteria provided, single submitter. Criteria: ACMG Guidelines, 2015. Collection method: clinical testing. Allele origin: germline. Affected: yes. Observed: 1 variant allele.

Stanford Center for Inherited Cardiovascular Disease, Stanford University
Classification: Likely pathogenic. Last evaluated: 2016-11-02. Review status: criteria provided, single submitter. Criteria: ACMG Guidelines, 2015. Collection method: provider interpretation. Allele origin: germline.

Laboratory for Molecular Medicine, Mass General Brigham Personalized Medicine
Classification: Likely pathogenic for Arrhythmogenic right ventricular cardiomyopathy; Primary dilated cardiomyopathy. Last evaluated: 2015-01-05. Review status: criteria provided, single submitter. Criteria: LMM Criteria. Collection method: clinical testing. Allele origin: germline. Observed: 2 variant alleles.
Comment: The c.939+1G>A variant in DSP has been reported in 2 individuals with ARVC, 1 wi th LDAC and 1 with palmoplantar hyperkeratosis (unknown cardiac status) (Whittoc k 1999, Sen Chowdry 2008, Christensen 2010, Asimaki 2009-refered to as 1218+1G>A ). It was absent from large popu lation studies. This variant occurs in the invariant region (+/- 1,2) of the spl ice consensus sequence and studies have shown that it alters splicing, leading t o retention of intron 7 and a premature termination codon (Whittock 1999). Splic e site and other loss of function variants in DSP have been reported in patients with ARVC. In summary, although additional studies are required to fully establish its clinical significance, the c.939+1G>A varian t is likely pathogenic.

OMIM
Classification: Pathogenic for KERATOSIS PALMOPLANTARIS STRIATA II. Last evaluated: 2010-11-01. Review status: no assertion criteria provided. Collection method: literature only. Allele origin: germline. Not counted in ClinVar's aggregate classification.

OMIM
Classification: Pathogenic for ARRHYTHMOGENIC RIGHT VENTRICULAR DYSPLASIA, FAMILIAL, 8. Last evaluated: 2010-11-01. Review status: no assertion criteria provided. Collection method: literature only. Allele origin: germline. Not counted in ClinVar's aggregate classification.

Clinical Genetics, Academic Medical Center
Classification: Pathogenic. Review status: no assertion criteria provided. Collection method: clinical testing. Allele origin: germline. Affected: yes. Study: VKGL Data-share Consensus. Not counted in ClinVar's aggregate classification.

Diagnostic Laboratory, Department of Genetics, University Medical Center Groningen
Classification: Pathogenic. Review status: no assertion criteria provided. Collection method: clinical testing. Allele origin: germline. Affected: yes. Study: VKGL Data-share Consensus. Not counted in ClinVar's aggregate classification.

Literature cited by the submitters: PubMed 10594734 (cited by 7 submitters); PubMed 19095136 (cited by 6 submitters); PubMed 20864495 (cited by 7 submitters); PubMed 24503780 (cited by 5 submitters); PubMed 29062697 (cited by Victorian Clinical Genetics Services, Murdoch Childrens Research Institute); PubMed 36580316 (cited by Victorian Clinical Genetics Services, Murdoch Childrens Research Institute); PubMed 27532257 (cited by 3 submitters); PubMed 34135346 (cited by All of Us Research Program, National Institutes of Health and Color Diagnostics, LLC DBA Color Health); PubMed 35083019 (cited by All of Us Research Program, National Institutes of Health and Color Diagnostics, LLC DBA Color Health); PubMed 36138163 (cited by All of Us Research Program, National Institutes of Health and Color Diagnostics, LLC DBA Color Health); PubMed 36431211 (cited by All of Us Research Program, National Institutes of Health and Color Diagnostics, LLC DBA Color Health); PubMed 25163546 (cited by Ambry Genetics); PubMed 19279339 (cited by Laboratory for Molecular Medicine, Mass General Brigham Personalized Medicine); PubMed 19558499 (cited by Laboratory for Molecular Medicine, Mass General Brigham Personalized Medicine).